The following is an entry in ClinVar:

NM_016194.4(GNB5):c.1120C>T (p.Arg374Ter)

Gene: GNB5 (G protein subunit beta 5; minus strand). Cytogenetic location: 15q21.2.
Variant type: single nucleotide variant.
Coding change: c.1120C>T on transcript NM_016194.4 (MANE Select); coding-DNA position 1120, C replaced by T.
Protein change: p.Arg374Ter; replaces arginine 374 with a stop codon.
Molecular consequence: nonsense.
Genome position (GRCh38, 1-based): chr15:52,124,529, G>A on the plus strand (C>T on the coding strand, the complement: GNB5 is on the minus strand). VCF-style: chr15-52124529-G-A. GRCh37 (hg19) VCF-style: chr15-52416726-G-A.
Other names: c.994C>T, p.Arg332Ter (NM_006578.4); c.1120C>T (NM_016194.3); short protein forms R332*, R374*.
Identifiers: ClinVar variation 268099 (VCV000268099.5), dbSNP rs773902879, ClinGen allele CA7565525.

ClinVar aggregate classification (germline): Likely pathogenic. Review status: criteria provided, single submitter (1 of 4 stars). 2 submissions from 2 submitters: Likely pathogenic (1). 1 of the submissions does not count toward it. Last evaluated 2023-08-10.

Conditions:
Lodder-Merla syndrome, type 1, with impaired intellectual development and cardiac arrhythmia. Also called: Intellectual developmental disorder with cardiac arrhythmia; Gnb5-related intellectual disability-cardiac arrhythmia syndrome. Identifiers: Orphanet 542306, MedGen C5568877, MONDO:0014953, OMIM 617173.

Allele frequency attached by ClinVar (database versions not stated): ExAC 0.00001; TOPMed 0.00002; gnomAD exomes 0.00001.
gnomAD v4.1: 20 of 1,613,748 alleles (0.0012%); highest among the groups gnomAD compares: Non-Finnish European, 0.0016%; no homozygotes.

Submissions (2):

GeneDx
Classification: Likely pathogenic. Last evaluated: 2023-08-10. Review status: criteria provided, single submitter. Criteria: GeneDx Variant Classification Process June 2021. Collection method: clinical testing. Allele origin: germline. Affected: yes.
Comment: Nonsense variant predicted to result in protein truncation as the last 22 amino acids are lost, although loss-of-function variants have not been reported downstream of this position in the protein; Not observed at significant frequency in large population cohorts (gnomAD); This variant is associated with the following publications: (PMID: 30631341, 32477400, 32280589, 27523599, 31631344)

OMIM
Classification: Pathogenic for LODDER-MERLA SYNDROME, TYPE 1, WITH IMPAIRED INTELLECTUAL DEVELOPMENT AND CARDIAC ARRHYTHMIA. Last evaluated: 2023-08-16. Review status: no assertion criteria provided. Collection method: literature only. Allele origin: germline. Not counted in ClinVar's aggregate classification.

Literature cited by the submitters: PubMed 27523599 (cited by OMIM).